The following is an entry in ClinVar:

ClinVar aggregate classification (germline): Pathogenic (3 of 4 stars; one submission).

Conditions:
Hereditary thrombocytopenia and hematologic cancer predisposition syndrome. Identifiers: Orphanet 71290, MedGen CN281654, MONDO:0011071.

Submission:

ClinGen Myeloid Malignancy Variant Curation Expert Panel
Classification: Pathogenic for Hereditary thrombocytopenia and hematologic cancer predisposition syndrome. Last evaluated: 2024-06-24. Review status: reviewed by expert panel. Criteria: ClinGen MyeloMalig ACMG Specifications v2. Collection method: curation. Allele origin: germline. Inheritance: Autosomal dominant inheritance.
Comment: This variant is predicted to undergo nonsense mediated decay in a gene in which loss-of-function is an established mechanism (frameshift (+) c.98-c.779 as per VCEP specifications) (PVS1). This variant is completely absent from all population databases with at least 20x coverage for RUNX1 (PM2_Supporting). This variant is a nonsense/frameshift variant that is downstream of c.98 (PM5_Supporting). In summary, this variant meets criteria to be classified as pathogenic. ACMG/AMP criteria applied, as specified by the Myeloid Malignancy Variant Curation Expert Panel for RUNX1: PM2_Supporting, PM5_supporting, PVS1

NM_001754.5(RUNX1):c.422_423insAACC (p.Ala142fs)

Genes: RUNX1 (RUNX family transcription factor 1; minus strand), RUNX1-AS1 (RUNX1 antisense RNA 1; plus strand). Cytogenetic location: 21q22.12.
Variant type: Insertion.
Coding change: c.422_423insAACC on transcript NM_001754.5 (MANE Select); coding-DNA positions 422 to 423, AACC inserted.
Protein change: p.Ala142fs; shifts the reading frame from alanine 142.
Molecular consequence: frameshift variant.
Genome position: GRCh38 VCF-style: chr21-34880642-C-CGGTT. GRCh37 (hg19) VCF-style: chr21-36252939-C-CGGTT.
Other names: NM_001754.5:c.422_423insAACC; c.341_342insAACC, p.Ala115fs (NM_001001890.3, NM_001122607.2); short protein forms A115fs, A142fs.
Identifiers: ClinVar variation 3255397 (VCV003255397.2), dbSNP rs2517439221.